The following is an entry in ClinVar:

NM_001378454.1(ALMS1):c.7492_7495del (p.Glu2498fs)

Gene: ALMS1 (ALMS1 centrosome and basal body associated protein; plus strand). Cytogenetic location: 2p13.1.
Variant type: Deletion.
Coding change: c.7492_7495del on transcript NM_001378454.1 (MANE Select); coding-DNA positions 7492 to 7495, 4 bases deleted (GAAA; older notation c.7492_7495delGAAA).
Protein change: p.Glu2498fs; shifts the reading frame from glutamic acid 2498.
Molecular consequence: frameshift variant.
Genome position (GRCh38, 1-based): chr2:73,454,019-73,454,022, GAAA deleted; deleting any 4 consecutive bases within chr2:73,454,016-73,454,022 gives the same sequence; the c. name uses the placement nearest the transcript's 3' end. VCF-style (leftmost placement, unchanged base first): chr2-73454015-TAAAG-T. GRCh37 (hg19) VCF-style: chr2-73681142-TAAAG-T.
Other names: c.7495_7498del, p.Glu2499fs (NM_015120.4); short protein forms E2498fs, E2499fs.
Identifiers: ClinVar variation 4733813 (VCV004733813.1).

ClinVar aggregate classification (germline): Pathogenic (1 of 4 stars; one submission).

Conditions:
Alstrom syndrome (ALMS). Identifiers: Orphanet 64, MedGen C0268425, MONDO:0008763, OMIM 203800.

Submission:

Labcorp Genetics (formerly Invitae), Labcorp
Classification: Pathogenic for Alstrom syndrome. Last evaluated: 2025-12-21. Review status: criteria provided, single submitter. Criteria: Invitae Variant Classification Sherloc (09022015). Collection method: clinical testing. Allele origin: germline.
Comment: This sequence change creates a premature translational stop signal (p.Glu2499Tyrfs*19) in the ALMS1 gene. It is expected to result in an absent or disrupted protein product. Loss-of-function variants in ALMS1 are known to be pathogenic (PMID: 17594715). This variant is not present in population databases (gnomAD no frequency). This variant has not been reported in the literature in individuals affected with ALMS1-related conditions. For these reasons, this variant has been classified as Pathogenic.

Literature cited by the submitters: PubMed 17594715.